The following is an entry in ClinVar:

ClinVar aggregate classification (germline): Likely benign (1 of 4 stars; one submission).

Conditions:
MPZL2-related disorder. Also called: MPZL2-related condition.

gnomAD v4.1: 235 of 1,614,138 alleles (0.015%); highest among the groups gnomAD compares: South Asian, 0.19%; no homozygotes.

Submission:

PreventionGenetics, part of Exact Sciences
Classification: Likely benign for MPZL2-related condition. Last evaluated: 2026-03-24. Review status: criteria provided, single submitter. Criteria: ACMG Guidelines, 2015. Collection method: clinical testing. Allele origin: germline.
Comment: This variant is classified as likely benign based on ACMG/AMP sequence variant interpretation guidelines (Richards et al. 2015 PMID: 25741868, with internal and published modifications).

NM_005797.4(MPZL2):c.307C>T (p.Arg103Trp)

Gene: MPZL2 (myelin protein zero like 2; minus strand). Cytogenetic location: 11q23.3.
Variant type: single nucleotide variant.
Coding change: c.307C>T on transcript NM_005797.4 (MANE Select); coding-DNA position 307, C replaced by T.
Protein change: p.Arg103Trp; replaces arginine 103 with tryptophan.
Molecular consequence: missense variant.
Genome position (GRCh38, 1-based): chr11:118,262,567, G>A on the plus strand (C>T on the coding strand, the complement: MPZL2 is on the minus strand). VCF-style: chr11-118262567-G-A. GRCh37 (hg19) VCF-style: chr11-118133282-G-A.
Other names: c.307C>T, p.Arg103Trp (NM_144765.3); short protein forms R103W.
Identifiers: ClinVar variation 4987901 (VCV004987901.1).